The following is an entry in ClinVar:

NM_022455.5(NSD1):c.3631_3632delinsA (p.Ala1211fs)

Gene: NSD1 (nuclear receptor binding SET domain protein 1; plus strand). Cytogenetic location: 5q35.3.
Variant type: Indel.
Coding change: c.3631_3632delinsA on transcript NM_022455.5 (MANE Select); coding-DNA positions 3631 to 3632, GC replaced by A.
Protein change: p.Ala1211fs; shifts the reading frame from alanine 1211.
Molecular consequence: frameshift variant.
Genome position (GRCh38, 1-based): chr5:177,212,030-177,212,031, GC replaced by A. VCF-style: chr5-177212030-GC-A. GRCh37 (hg19) VCF-style: chr5-176639031-GC-A.
Other names: c.2758_2759delGCinsA, p.Ala920Lysfs (NM_001365684.2, NM_001409306.1, NM_001409307.1 and 3 more transcripts); c.3631_3632delGCinsA, p.Ala1211Lysfs (NM_001409301.1, NM_001409302.1, NM_001409303.1); c.3211_3212delGCinsA, p.Ala1071Lysfs (NM_001409304.1); c.2878_2879delGCinsA, p.Ala960Lysfs (NM_001409305.1); short protein forms A942fs, A1211fs.
Identifiers: ClinVar variation 280933 (VCV000280933.2), dbSNP rs886042047, ClinGen allele CA10602952.

ClinVar aggregate classification (germline): Pathogenic (1 of 4 stars; one submission).

Submission:

GeneDx
Classification: Pathogenic. Last evaluated: 2016-10-11. Review status: criteria provided, single submitter. Criteria: GeneDx Variant Classification (06012015). Collection method: clinical testing. Allele origin: germline. Affected: yes.
Comment: The c.3631_3632delGCinsA pathogenic variant in the NSD1 gene replaces two nucleotides with one aberrant neucleotide, causing a frameshift starting with codon Alanine 1211, changes this amino acid to a Lysine residue and creates a premature Stop codon at position 8 of the new reading frame, denoted p.Ala121LysfsX8. This pathogenic variant is predicted to cause loss of normal protein function either through protein truncation or nonsense-mediated mRNA decay. In addition, the c.3631_3632delGCinsA variant was not observed in approximately 6,500 individuals of European and African American ancestry in the NHLBI Exome Sequencing Project.